The following is an entry in ClinVar:

NM_018192.4(P3H2):c.1372C>T (p.Gln458Ter)

Gene: P3H2 (prolyl 3-hydroxylase 2; minus strand). Cytogenetic location: 3q28.
Variant type: single nucleotide variant.
Coding change: c.1372C>T on transcript NM_018192.4 (MANE Select); coding-DNA position 1372, C replaced by T.
Protein change: p.Gln458Ter; replaces glutamine 458 with a stop codon.
Molecular consequence: nonsense.
Genome position (GRCh38, 1-based): chr3:189,974,638, G>A on the plus strand (C>T on the coding strand, the complement: P3H2 is on the minus strand). VCF-style: chr3-189974638-G-A. GRCh37 (hg19) VCF-style: chr3-189692427-G-A.
Other names: c.829C>T, p.Gln277Ter (NM_001134418.2); short protein forms Q277*, Q458*.
Identifiers: ClinVar variation 620231 (VCV000620231.9), dbSNP rs895635914, ClinGen allele CA89722178.

ClinVar aggregate classification (germline): Pathogenic/Likely pathogenic. Review status: criteria provided, multiple submitters, no conflicts (2 of 4 stars). 4 submissions from 4 submitters: Pathogenic (1); Likely pathogenic (3). Last evaluated 2026-08-06.

Conditions:
Myopia, high, with cataract and vitreoretinal degeneration (MCVD). Identifiers: MedGen C3280346, MONDO:0013670, OMIM 614292.

Allele frequency attached by ClinVar (database versions not stated): gnomAD exomes 0.00001 and 0.00002; gnomAD 0.00004 and 0.00003; TOPMed 0.00002.
gnomAD v4.1: 39 of 1,614,088 alleles (0.0024%); highest among the groups gnomAD compares: Admixed American, 0.0033%; no homozygotes.

Submissions (4):

OLLIN Analises Genomicas, OLLIN
Classification: Likely pathogenic for Myopia, high, with cataract and vitreoretinal degeneration. Last evaluated: 2026-08-06. Review status: criteria provided, single submitter. Criteria: ACMG Guidelines 2015 PMID 25741868. Collection method: clinical testing. Allele origin: germline. Inheritance: Autosomal recessive inheritance.
Comment: This nonsense variant, located in exon 9 (of 15), has been reported in ClinVar (accession VCV000841414.7) and in gnomAD with an allele frequency of 0.0024%. However, to our knowledge, it has not been reported in the scientific literature. This variant introduces a premature stop codon, which is predicted to result in either a truncated protein or degradation of the mRNA via nonsense-mediated decay (NMD). According to the currently available evidence, this variant has been classified as likely pathogenic (PVS1, PM2_P).

Dasa
Classification: Likely pathogenic. Last evaluated: 2026-01-30. Review status: criteria provided, single submitter. Criteria: DASA Assertion Criteria. Collection method: clinical testing. Allele origin: germline.
Comment: NM_018192.4(P3H2):c.1372C>T (p.Gln458*) is a nonsense variant in P3H2 predicted to introduce a premature termination codon and is predicted to result in an absent or altered protein product. Loss of function is an established disease mechanism for P3H2-associated disorders. Also, this variant is rare in population databases. Based on the currently available evidence, this variant is classified as likely pathogenic.

Labcorp Genetics (formerly Invitae), Labcorp
Classification: Pathogenic. Last evaluated: 2022-05-27. Review status: criteria provided, single submitter. Criteria: Invitae Variant Classification Sherloc (09022015). Collection method: clinical testing. Allele origin: germline.
Comment: This sequence change creates a premature translational stop signal (p.Gln458*) in the P3H2 gene. It is expected to result in an absent or disrupted protein product. Loss-of-function variants in P3H2 are known to be pathogenic (PMID: 24172257, 25469533). This variant is present in population databases (no rsID available, gnomAD 0.002%). This variant has not been reported in the literature in individuals affected with P3H2-related conditions. ClinVar contains an entry for this variant (Variation ID: 620231). For these reasons, this variant has been classified as Pathogenic.

GeneDx
Classification: Likely pathogenic. Last evaluated: 2018-06-25. Review status: criteria provided, single submitter. Criteria: GeneDx Variant Classification (06012015). Collection method: clinical testing. Allele origin: germline. Affected: yes.
Comment: The Q458X variant in the P3H2 gene has not been reported previously as a pathogenic variant nor as a benign variant, to our knowledge. This variant is predicted to cause loss of normal protein function either through protein truncation or nonsense-mediated mRNA decay. The Q458X variant is not observed at a significant frequency in large population cohorts (Lek et al., 2016). We interpret Q458X as a likely pathogenic variant.

Literature cited by the submitters: PubMed 24172257 (cited by Labcorp Genetics (formerly Invitae), Labcorp); PubMed 25469533 (cited by Labcorp Genetics (formerly Invitae), Labcorp).